The following is an entry in ClinVar:

ClinVar aggregate classification (germline): Uncertain significance (1 of 4 stars; one submission).

Submission:

Labcorp Genetics (formerly Invitae), Labcorp
Classification: Uncertain significance. Last evaluated: 2025-01-27. Review status: criteria provided, single submitter. Criteria: Invitae Variant Classification Sherloc (09022015). Collection method: clinical testing. Allele origin: germline.
Comment: This sequence change replaces valine, which is neutral and non-polar, with methionine, which is neutral and non-polar, at codon 128 of the C1QTNF5 protein (p.Val128Met). This variant is not present in population databases (gnomAD no frequency). This variant has not been reported in the literature in individuals affected with C1QTNF5-related conditions. An algorithm developed to predict the effect of missense changes on protein structure and function (PolyPhen-2) suggests that this variant is likely to be disruptive. In summary, the available evidence is currently insufficient to determine the role of this variant in disease. Therefore, it has been classified as a Variant of Uncertain Significance.

NM_001278431.2(C1QTNF5):c.382G>A (p.Val128Met)

Genes: C1QTNF5 (C1q and TNF related 5; minus strand), MFRP (membrane frizzled-related protein; minus strand). Cytogenetic location: 11q23.3.
Variant type: single nucleotide variant.
Coding change: c.382G>A on transcript NM_001278431.2 (MANE Select); coding-DNA position 382, G replaced by A.
Protein change: p.Val128Met; replaces valine 128 with methionine.
Molecular consequence: missense variant. On other transcripts: 3 prime UTR variant (1).
Genome position (GRCh38, 1-based): chr11:119,339,681, C>T on the plus strand (G>A on the coding strand, the complement: C1QTNF5 is on the minus strand). VCF-style: chr11-119339681-C-T. GRCh37 (hg19) VCF-style: chr11-119210391-C-T.
Other names: c.382G>A, p.Val128Met (NM_015645.5); c.*1278G>A (NM_031433.4); short protein forms V128M.
Identifiers: ClinVar variation 3683548 (VCV003683548.2).
Genomic context (GRCh38, chr11:119,339,681, plus strand): 5'-GCACCTGGCAGGTGAACTTGCCGGTGACGGCGTCGTAATGTCCCTGCTCGTTCACCAGCA[C>T]GCGGTCGAAGGGCAAGGGTGCGTCAGACGGCGGAGGCACCCGGCTCTCGGAGCGCTTGGC-3'
Protein context (NP_001265360.1, residues 118-138): PSDAPLPFDR[Val128Met]LVNEQGHYDA